The following is an entry in ClinVar:

NM_021224.6(ZNF462):c.2029del (p.Arg677fs)

Gene: ZNF462 (zinc finger protein 462; plus strand). Cytogenetic location: 9q31.2.
Variant type: Deletion.
Coding change: c.2029del on transcript NM_021224.6 (MANE Select); coding-DNA position 2029, one base deleted (A; older notation c.2029delA).
Protein change: p.Arg677fs; shifts the reading frame from arginine 677.
Molecular consequence: frameshift variant.
Genome position (GRCh38, 1-based): chr9:106,925,941, A deleted. VCF-style (leftmost placement, unchanged base first): chr9-106925940-TA-T. GRCh37 (hg19) VCF-style: chr9-109688221-TA-T.
Other names: c.2029del, p.Arg677fs (NM_001347997.2); short protein forms R677fs.
Identifiers: ClinVar variation 1343244 (VCV001343244.1), dbSNP rs2131465180, ClinGen allele CA2573053079.

ClinVar aggregate classification (germline): Pathogenic (1 of 4 stars; one submission).

Conditions:
Weiss-Kruszka syndrome. Also called: Metopic ridging-ptosis-facial dysmorphism syndrome. Identifiers: Orphanet 502430, MedGen C5568107, MONDO:0032836, OMIM 618619.

Submission:

Institute of Human Genetics, Clinical Exome/Genome Diagnostics Group, University Hospital Bonn
Classification: Pathogenic for Weiss-Kruszka syndrome. Last evaluated: 2021-12-14. Review status: criteria provided, single submitter. Criteria: ACMG Guidelines, 2015. Collection method: clinical testing. Allele origin: de novo. Affected: yes.
Comment: PVS1, PS2, PM2